The following is an entry in ClinVar:

NM_000337.6(SGCD):c.294+6_294+25del

Gene: SGCD (sarcoglycan delta; plus strand). Cytogenetic location: 5q33.3.
Variant type: Deletion.
Coding change: c.294+6_294+25del on transcript NM_000337.6 (MANE Select); bases 6 to 25 of the intron after coding-DNA position 294, 20 bases deleted (TTTCTGCTGAGAGAAGGAGG).
Molecular consequence: intron variant.
Genome position (GRCh38, 1-based): chr5:156,508,708-156,508,727, TTTCTGCTGAGAGAAGGAGG deleted; deleting any 20 consecutive bases within chr5:156,508,707-156,508,727 gives the same sequence; the c. name uses the placement nearest the transcript's 3' end. VCF-style (leftmost placement, unchanged base first): chr5-156508706-AGTTTCTGCTGAGAGAAGGAG-A. GRCh37 (hg19) VCF-style: chr5-155935716-AGTTTCTGCTGAGAGAAGGAG-A.
Other names: c.291+6_291+25del (NM_001128209.2); c.294+6_294+25del (NM_172244.3).
Identifiers: ClinVar variation 5004104 (VCV005004104.1).

ClinVar aggregate classification (germline): Uncertain significance (1 of 4 stars; one submission).

Conditions:
Autosomal recessive limb-girdle muscular dystrophy type 2F (LGMDR6). Also called: MUSCULAR DYSTROPHY, LIMB-GIRDLE, AUTOSOMAL RECESSIVE 6; Muscular dystrophy limb-girdle with delta-sarcoglyan deficiency. Identifiers: Orphanet 219, MedGen C1832525, MONDO:0011028, OMIM 601287. Disease mechanism: Affects gamma-sarcoglycan and also disrupts the integrity of the entire sarcoglycan complex..

Submission:

Myriad Genetics, Inc.
Classification: Uncertain significance for Autosomal recessive limb-girdle muscular dystrophy type 2F. Last evaluated: 2025-08-05. Review status: criteria provided, single submitter. Criteria: Myriad Autosomal Dominant, Autosomal Recessive and X-Linked Classification Criteria (2023). Collection method: clinical testing. Allele origin: unknown.
Comment: NM_000337.5(SGCD):c.294+6_294+25del20 is an intronic variant classified as a variant of uncertain significance in the context of delta-sarcoglycanopathy. c.294+6_294+25del20 has not been observed in cases with relevant disease. Relevant functional assessments of this variant are not available in the literature. c.294+6_294+25del20 has not been observed in referenced population frequency databases. In summary, there is insufficient evidence to classify NM_000337.5(SGCD):c.294+6_294+25del20 as pathogenic or benign. Please note: this variant was assessed in the context of healthy population screening.